The following is an entry in ClinVar:

NM_006431.3(CCT2):c.1246T>G (p.Leu416Val)

Gene: CCT2 (chaperonin containing TCP1 subunit 2; plus strand). Cytogenetic location: 12q15.
Variant type: single nucleotide variant.
Coding change: c.1246T>G on transcript NM_006431.3 (MANE Select); coding-DNA position 1246, T replaced by G.
Protein change: p.Leu416Val; replaces leucine 416 with valine.
Molecular consequence: missense variant.
Genome position (GRCh38, 1-based): chr12:69,597,982, T>G. VCF-style: chr12-69597982-T-G. GRCh37 (hg19) VCF-style: chr12-69991762-T-G.
Other names: c.1105T>G, p.Leu369Val (NM_001198842.2); short protein forms L369V, L416V.
Identifiers: ClinVar variation 1474519 (VCV001474519.6), dbSNP rs2135859537, ClinGen allele CA385730928.
Genomic context (GRCh38, chr12:69,597,982, plus strand): 5'-GAGACAACTAAGCATTGCAATATTTTATTGGAATTTTAATCTTTAGGCTGTTCTGAGATG[T>G]TGATGGCTCATGCTGTGACACAGCTTGCCAATAGAACACCAGGCAAAGAAGCTGTTGCAA-3'
Protein context (NP_006422.1, residues 406-426): TVYGGGCSEM[Leu416Val]MAHAVTQLAN

ClinVar aggregate classification (germline): Uncertain significance (1 of 4 stars; one submission).

Submission:

Labcorp Genetics (formerly Invitae), Labcorp
Classification: Uncertain significance. Last evaluated: 2021-10-19. Review status: criteria provided, single submitter. Criteria: Invitae Variant Classification Sherloc (09022015). Collection method: clinical testing. Allele origin: germline.
Comment: In summary, the available evidence is currently insufficient to determine the role of this variant in disease. Therefore, it has been classified as a Variant of Uncertain Significance. This sequence change replaces leucine with valine at codon 416 of the CCT2 protein (p.Leu416Val). The leucine residue is highly conserved and there is a small physicochemical difference between leucine and valine. This variant is not present in population databases (ExAC no frequency). This variant has not been reported in the literature in individuals affected with CCT2-related conditions. Algorithms developed to predict the effect of missense changes on protein structure and function (SIFT, PolyPhen-2, Align-GVGD) all suggest that this variant is likely to be tolerated. Algorithms developed to predict the effect of sequence changes on RNA splicing suggest that this variant may create or strengthen a splice site.